The following is an entry in ClinVar:

ClinVar aggregate classification (germline): Uncertain significance (1 of 4 stars; one submission).

Submission:

Labcorp Genetics (formerly Invitae), Labcorp
Classification: Uncertain significance. Last evaluated: 2022-10-25. Review status: criteria provided, single submitter. Criteria: Invitae Variant Classification Sherloc (09022015). Collection method: clinical testing. Allele origin: germline.
Comment: This sequence change replaces glycine, which is neutral and non-polar, with arginine, which is basic and polar, at codon 29 of the RIPK1 protein (p.Gly29Arg). Information on the frequency of this variant in the gnomAD database is not available, as this variant may be reported differently in the database. This variant has not been reported in the literature in individuals affected with RIPK1-related conditions. ClinVar contains an entry for this variant (Variation ID: 1520162). Experimental studies and prediction algorithms are not available or were not evaluated, and the functional significance of this variant is currently unknown. In summary, the available evidence is currently insufficient to determine the role of this variant in disease. Therefore, it has been classified as a Variant of Uncertain Significance.

NM_001354930.2(RIPK1):c.84_85inv (p.Gly29Arg)

Gene: RIPK1 (receptor interacting serine/threonine kinase 1; plus strand). Cytogenetic location: 6p25.2.
Variant type: Inversion.
Coding change: c.84_85inv on transcript NM_001354930.2 (MANE Select).
Protein change: p.Gly29Arg; replaces glycine 29 with arginine.
Molecular consequence: missense variant. On other transcripts: 5 prime UTR variant (4).
Genome position: GRCh38 VCF-style: chr6-3076907-TG-CA. GRCh37 (hg19) VCF-style: chr6-3077141-TG-CA.
Other names: c.-520_-519inv (NM_001317061.3, NM_001354932.2, NM_001354933.2 and 1 more transcripts); c.84_85inv, p.Gly29Arg (NM_001354931.2, NM_003804.6); short protein forms G29R.
Identifiers: ClinVar variation 1520162 (VCV001520162.5), ClinGen allele CA2573140137.